The following is an entry in ClinVar:

NM_022089.4(ATP13A2):c.3314C>T (p.Pro1105Leu)

Gene: ATP13A2 (ATPase cation transporting 13A2; minus strand). Cytogenetic location: 1p36.13.
Variant type: single nucleotide variant.
Coding change: c.3314C>T on transcript NM_022089.4 (MANE Select); coding-DNA position 3314, C replaced by T.
Protein change: p.Pro1105Leu; replaces proline 1105 with leucine.
Molecular consequence: missense variant. On other transcripts: intron variant (1).
Genome position (GRCh38, 1-based): chr1:16,986,554, G>A on the plus strand (C>T on the coding strand, the complement: ATP13A2 is on the minus strand). VCF-style: chr1-16986554-G-A. GRCh37 (hg19) VCF-style: chr1-17313049-G-A.
Other names: c.3299C>T, p.Pro1100Leu (NM_001141973.3); c.3104-196C>T (NM_001141974.3); short protein forms P1105L, P1100L.
Identifiers: ClinVar variation 568939 (VCV000568939.24), dbSNP rs201756175, ClinGen allele CA636529.

ClinVar aggregate classification (germline): Conflicting classifications of pathogenicity. Review status: criteria provided, conflicting classifications (1 of 4 stars). 8 submissions from 8 submitters: Uncertain significance (2); Benign (2); Likely benign (3). 1 of the submissions does not count toward it. Last evaluated 2026-01-24.

Conditions:
ATP13A2-related disorder. Also called: ATP13A2-related disorders; ATP13A2-related condition.
Inborn genetic diseases. Identifiers: MedGen C0950123, MeSH D030342.
Kufor-Rakeb syndrome (KRS). Also called: PARKINSON DISEASE 9, AUTOSOMAL RECESSIVE, JUVENILE-ONSET. Identifiers: Orphanet 306674, Orphanet 314632, MedGen C1847640, MONDO:0011706, OMIM 606693.
Autosomal recessive spastic paraplegia type 78. Identifiers: Orphanet 513436, MedGen C5567893, MONDO:0014975, OMIM 617225.

Allele frequency attached by ClinVar (database versions not stated): ESP Exome Variant Server 0.00015; 1000 Genomes Project 30x 0.00016; 1000 Genomes Project 0.00020; ExAC 0.00027; TOPMed 0.00033; gnomAD 0.00034 and 0.00035; gnomAD exomes 0.00044.
gnomAD v4.1: 485 of 1,612,386 alleles (0.03%); highest among the groups gnomAD compares: Non-Finnish European, 0.011%; 2 homozygotes.

Submissions (8):

Labcorp Genetics (formerly Invitae), Labcorp
Classification: Benign for Kufor-Rakeb syndrome; Autosomal recessive spastic paraplegia type 78. Last evaluated: 2026-01-24. Review status: criteria provided, single submitter. Criteria: Invitae Variant Classification Sherloc (09022015). Collection method: clinical testing. Allele origin: germline.

Blueprint Genetics
Classification: Likely benign. Last evaluated: 2024-11-07. Review status: criteria provided, single submitter. Criteria: ACMG Guidelines, 2015. Collection method: clinical testing. Allele origin: germline.

Ambry Genetics
Classification: Benign for Inborn genetic diseases. Last evaluated: 2023-01-06. Review status: criteria provided, single submitter. Criteria: Ambry Variant Classification Scheme 2023. Collection method: clinical testing. Allele origin: germline.

Department of Pathology and Laboratory Medicine, Sinai Health System
Classification: Likely benign for Kufor-Rakeb syndrome. Last evaluated: 2022-03-07. Review status: criteria provided, single submitter. Criteria: ACMG Guidelines, 2015. Collection method: research. Allele origin: germline.

GeneDx
Classification: Likely benign. Last evaluated: 2020-12-24. Review status: criteria provided, single submitter. Criteria: GeneDx Variant Classification Process June 2021. Collection method: clinical testing. Allele origin: germline. Affected: yes.

Fulgent Genetics
Classification: Uncertain significance for Kufor-Rakeb syndrome; Autosomal recessive spastic paraplegia type 78. Last evaluated: 2018-10-31. Review status: criteria provided, single submitter. Criteria: ACMG Guidelines, 2015. Collection method: clinical testing. Allele origin: unknown.

Illumina Laboratory Services, Illumina
Classification: Uncertain significance for Kufor-Rakeb syndrome. Last evaluated: 2018-01-13. Review status: criteria provided, single submitter. Criteria: ICSL Variant Classification Criteria 13 December 2019. Collection method: clinical testing. Allele origin: germline.

PreventionGenetics, part of Exact Sciences
Classification: Likely benign for ATP13A2-related condition. Last evaluated: 2020-11-23. Review status: no assertion criteria provided. Collection method: clinical testing. Allele origin: germline. Not counted in ClinVar's aggregate classification.
Comment: This variant is classified as likely benign based on ACMG/AMP sequence variant interpretation guidelines (Richards et al. 2015 PMID: 25741868, with internal and published modifications).